The following is an entry in ClinVar:

NM_002449.5(MSX2):c.178A>C (p.Lys60Gln)

Gene: MSX2 (msh homeobox 2; plus strand). Cytogenetic location: 5q35.2.
Variant type: single nucleotide variant.
Coding change: c.178A>C on transcript NM_002449.5 (MANE Select); coding-DNA position 178, A replaced by C.
Protein change: p.Lys60Gln; replaces lysine 60 with glutamine.
Molecular consequence: missense variant.
Genome position (GRCh38, 1-based): chr5:174,724,837, A>C. VCF-style: chr5-174724837-A-C. GRCh37 (hg19) VCF-style: chr5-174151840-A-C.
Other names: c.178A>C, p.Lys60Gln (NM_001363626.2); c.178A>C (NM_002449.4); short protein forms K60Q.
Identifiers: ClinVar variation 1446205 (VCV001446205.7), dbSNP rs1353231469, ClinGen allele CA362229281.

ClinVar aggregate classification (germline): Uncertain significance. Review status: criteria provided, multiple submitters, no conflicts (2 of 4 stars). 2 submissions from 2 submitters: Uncertain significance (2). Last evaluated 2025-04-20.

Conditions:
Cranium bifidum occultum. Also called: CATLIN MARKS; CRANIUM BIFIDUM, HEREDITARY; Enlarged Parietal Foramina. Identifiers: MedGen C1868598, HP:0004423.
Inborn genetic diseases. Identifiers: MedGen C0950123, MeSH D030342.

Allele frequency attached by ClinVar (database versions not stated): TOPMed below 0.00001; gnomAD exomes 0.00001.
gnomAD v4.1: 5 of 1,551,216 alleles (0.00032%); highest among the groups gnomAD compares: Non-Finnish European, 0.00044%; no homozygotes.

Submissions (2):

Ambry Genetics
Classification: Uncertain significance for Inborn genetic diseases. Last evaluated: 2025-04-20. Review status: criteria provided, single submitter. Criteria: Ambry Variant Classification Scheme 2023. Collection method: clinical testing. Allele origin: germline.

Labcorp Genetics (formerly Invitae), Labcorp
Classification: Uncertain significance for Cranium bifidum occultum. Last evaluated: 2024-02-17. Review status: criteria provided, single submitter. Criteria: Invitae Variant Classification Sherloc (09022015). Collection method: clinical testing. Allele origin: germline.
Comment: This sequence change replaces lysine, which is basic and polar, with glutamine, which is neutral and polar, at codon 60 of the MSX2 protein (p.Lys60Gln). This variant is present in population databases (no rsID available, gnomAD 0.002%). This variant has not been reported in the literature in individuals affected with MSX2-related conditions. ClinVar contains an entry for this variant (Variation ID: 1446205). Advanced modeling of protein sequence and biophysical properties (such as structural, functional, and spatial information, amino acid conservation, physicochemical variation, residue mobility, and thermodynamic stability) performed at Invitae indicates that this missense variant is not expected to disrupt MSX2 protein function with a negative predictive value of 80%. In summary, the available evidence is currently insufficient to determine the role of this variant in disease. Therefore, it has been classified as a Variant of Uncertain Significance.